The following is an entry in ClinVar:

ClinVar aggregate classification (germline): Uncertain significance. Review status: criteria provided, multiple submitters, no conflicts (2 of 4 stars). 2 submissions from 2 submitters: Uncertain significance (2). Last evaluated 2025-11-15.

Conditions:
Hypertrophic cardiomyopathy. Also called: HYPERTROPHIC MYOCARDIOPATHY. Identifiers: Orphanet 217569, MedGen C0007194, MeSH D002312, MONDO:0005045, HP:0001639.

Allele frequency attached by ClinVar (database versions not stated): gnomAD exomes below 0.00001; gnomAD 0.00001.
gnomAD v4.1: 2 of 1,613,868 alleles (0.00012%); highest among the groups gnomAD compares: African/African-American, 0.0013%; no homozygotes.

Submissions (2):

Ambry Genetics
Classification: Uncertain significance. Last evaluated: 2025-11-15. Review status: criteria provided, single submitter. Criteria: Ambry Variant Classification Scheme 2023. Collection method: clinical testing. Allele origin: germline.
Comment: The p.N1327H variant (also known as c.3979A>C), located in coding exon 26 of the MYOM1 gene, results from an A to C substitution at nucleotide position 3979. The asparagine at codon 1327 is replaced by histidine, an amino acid with similar properties. This amino acid position is conserved. In addition, this alteration is predicted to be tolerated by in silico analysis. Since supporting evidence is limited at this time, the clinical significance of this alteration remains unclear.

Labcorp Genetics (formerly Invitae), Labcorp
Classification: Uncertain significance for Hypertrophic cardiomyopathy. Last evaluated: 2024-10-28. Review status: criteria provided, single submitter. Criteria: Invitae Variant Classification Sherloc (09022015). Collection method: clinical testing. Allele origin: germline.
Comment: This sequence change replaces asparagine, which is neutral and polar, with histidine, which is basic and polar, at codon 1327 of the MYOM1 protein (p.Asn1327His). This variant is not present in population databases (gnomAD no frequency). This variant has not been reported in the literature in individuals affected with MYOM1-related conditions. ClinVar contains an entry for this variant (Variation ID: 1421075). Invitae Evidence Modeling of protein sequence and biophysical properties (such as structural, functional, and spatial information, amino acid conservation, physicochemical variation, residue mobility, and thermodynamic stability) has been performed for this missense variant. However, the output from this modeling did not meet the statistical confidence thresholds required to predict the impact of this variant on MYOM1 protein function. In summary, the available evidence is currently insufficient to determine the role of this variant in disease. Therefore, it has been classified as a Variant of Uncertain Significance.

NM_003803.4(MYOM1):c.3979A>C (p.Asn1327His)

Gene: MYOM1 (myomesin 1; minus strand). Cytogenetic location: 18p11.31.
Variant type: single nucleotide variant.
Coding change: c.3979A>C on transcript NM_003803.4 (MANE Select); coding-DNA position 3979, A replaced by C.
Protein change: p.Asn1327His; replaces asparagine 1327 with histidine.
Molecular consequence: missense variant.
Genome position (GRCh38, 1-based): chr18:3,090,688, T>G on the plus strand (A>C on the coding strand, the complement: MYOM1 is on the minus strand). VCF-style: chr18-3090688-T-G. GRCh37 (hg19) VCF-style: chr18-3090686-T-G.
Other names: c.3979A>C (NM_003803.3); c.3691A>C, p.Asn1231His (NM_019856.2); short protein forms N1327H, N1231H.
Identifiers: ClinVar variation 1421075 (VCV001421075.10), dbSNP rs938475906, ClinGen allele CA295544946.
Genomic context (GRCh38, chr18:3,090,688, plus strand): 5'-CTGCTGGTTAATGTTCCACGGAATTCTTACCATCTCCAACGAGAACAACAGTAGAATGGT[T>G]AGTTGCTTTTCCATCTTGAAGCTGGAAAGTGTACGTTCCCTCATCCTCATCCTGTAGCTT-3'
Protein context (NP_003794.3, residues 1317-1337): TFQLQDGKAT[Asn1327His]HSTVVLVGDV